The following is an entry in ClinVar:

ClinVar aggregate classification (germline): Uncertain significance. Review status: criteria provided, multiple submitters, no conflicts (2 of 4 stars). 4 submissions from 4 submitters: Uncertain significance (4). Last evaluated 2026-01-26.

Conditions:
Hereditary cancer-predisposing syndrome. Also called: Tumor predisposition; Hereditary Cancer Syndrome; Neoplastic Syndromes, Hereditary; Hereditary neoplastic syndrome. Identifiers: Orphanet 140162, MedGen C0027672, MeSH D009386, MONDO:0015356.
Familial cancer of breast. Also called: Hereditary breast cancer; BREAST CANCER, FAMILIAL; hereditary breast carcinoma. Identifiers: Orphanet 227535, MedGen C0346153, MONDO:0016419, OMIM 114480. Disease mechanism: loss of function.
Ataxia-telangiectasia syndrome (AT). Also called: Cerebello-oculocutaneous telangiectasia; Immunodeficiency with ataxia telangiectasia; Ataxia telangiectasia (A-T); LOUIS-BAR SYNDROME; ATAXIA-TELANGIECTASIA, COMPLEMENTATION GROUP A; ATAXIA-TELANGIECTASIA, FRESNO VARIANT. Identifiers: Orphanet 100, MedGen C0004135, MONDO:0008840, OMIM 208900.

Allele frequency attached by ClinVar (database versions not stated): gnomAD exomes below 0.00001.
gnomAD v4.1: 1 of 1,612,300 alleles (0.000062%); no homozygotes.

Submissions (4):

Labcorp Genetics (formerly Invitae), Labcorp
Classification: Uncertain significance for Ataxia-telangiectasia syndrome. Last evaluated: 2026-01-26. Review status: criteria provided, single submitter. Criteria: Invitae Variant Classification Sherloc (09022015). Collection method: clinical testing. Allele origin: germline.
Comment: This sequence change replaces lysine, which is basic and polar, with glutamic acid, which is acidic and polar, at codon 1030 of the ATM protein (p.Lys1030Glu). This variant is present in population databases (no rsID available, gnomAD 0.006%). This variant has not been reported in the literature in individuals affected with ATM-related conditions. ClinVar contains an entry for this variant (Variation ID: 216200). Invitae Evidence Modeling of protein sequence and biophysical properties (such as structural, functional, and spatial information, amino acid conservation, physicochemical variation, residue mobility, and thermodynamic stability) indicates that this missense variant is not expected to disrupt ATM protein function with a negative predictive value of 95%. In summary, the available evidence is currently insufficient to determine the role of this variant in disease. Therefore, it has been classified as a Variant of Uncertain Significance.

Ambry Genetics
Classification: Uncertain significance for Hereditary cancer-predisposing syndrome. Last evaluated: 2025-05-31. Review status: criteria provided, single submitter. Criteria: Ambry Variant Classification Scheme 2023. Collection method: clinical testing. Allele origin: germline.
Comment: The p.K1030E variant (also known as c.3088A>G), located in coding exon 20 of the ATM gene, results from an A to G substitution at nucleotide position 3088. The lysine at codon 1030 is replaced by glutamic acid, an amino acid with similar properties. This amino acid position is not well conserved in available vertebrate species. In addition, the in silico prediction for this alteration is inconclusive. Since supporting evidence is limited at this time, the clinical significance of this alteration remains unclear.

Baylor Genetics
Classification: Uncertain significance for Familial cancer of breast. Last evaluated: 2024-03-22. Review status: criteria provided, single submitter. Criteria: ACMG Guidelines, 2015. Collection method: clinical testing. Allele origin: unknown.

Color Diagnostics, LLC DBA Color Health
Classification: Uncertain significance for Hereditary cancer-predisposing syndrome. Last evaluated: 2019-12-11. Review status: criteria provided, single submitter. Criteria: ACMG Guidelines, 2015. Collection method: clinical testing. Allele origin: germline.
Comment: This missense variant replaces lysine with glutamic acid at codon 1030 of the ATM protein. Computational prediction suggests that this variant may not impact protein structure and function (internally defined REVEL score threshold <= 0.5, PMID: 27666373). Splice site prediction tools suggest that this variant may not impact RNA splicing. To our knowledge, functional studies have not been performed for this variant. This variant has not been reported in individuals affected with hereditary cancer in the literature. This variant has been identified in 1/251222 chromosomes in the general population by the Genome Aggregation Database (gnomAD). The available evidence is insufficient to determine the role of this variant in disease conclusively. Therefore, this variant is classified as a Variant of Uncertain Significance.

NM_000051.4(ATM):c.3088A>G (p.Lys1030Glu)

Gene: ATM (ATM serine/threonine kinase; plus strand). Cytogenetic location: 11q22.3.
Variant type: single nucleotide variant.
Coding change: c.3088A>G on transcript NM_000051.4 (MANE Select); coding-DNA position 3088, A replaced by G.
Protein change: p.Lys1030Glu; replaces lysine 1030 with glutamic acid.
Molecular consequence: missense variant.
Genome position (GRCh38, 1-based): chr11:108,272,542, A>G. VCF-style: chr11-108272542-A-G. GRCh37 (hg19) VCF-style: chr11-108143269-A-G.
Other names: c.3088A>G, p.Lys1030Glu (NM_001351834.2); short protein forms K1030E.
Identifiers: ClinVar variation 216200 (VCV000216200.19), dbSNP rs863224561, ClinGen allele CA337015.